The following is an entry in ClinVar:

NM_001080467.3(MYO5B):c.5277del (p.Ile1760fs)

Genes: MYO5B (myosin VB; minus strand), SNHG22 (small nucleolar RNA host gene 22; plus strand). Cytogenetic location: 18q21.1.
Variant type: Deletion.
Coding change: c.5277del on transcript NM_001080467.3 (MANE Select); coding-DNA position 5277, one base deleted (T; older notation c.5277delT).
Protein change: p.Ile1760fs; shifts the reading frame from isoleucine 1760.
Molecular consequence: frameshift variant.
Genome position (GRCh38, 1-based): chr18:49,836,747, A deleted on the plus strand (T on the coding strand, the reverse complement: MYO5B is on the minus strand). VCF-style (leftmost placement, unchanged base first): chr18-49836746-TA-T. GRCh37 (hg19) VCF-style: chr18-47363116-TA-T.
Other names: short protein forms I1760fs.
Identifiers: ClinVar variation 1934311 (VCV001934311.5), dbSNP rs2511233408, ClinGen allele CA2580095788.
Genomic context (GRCh38, chr18:49,836,746, plus strand): 5'-TGACAGAGGTGCAAAGTGACTGTACCTGCTGGGTGCTGAGGGAGGTACACAGGGAGCAGA[TA>T]GCCTCTGCGTCCTCCTGGGTTTTCTTCTTTAATTGCAGGAGCTGGGCTGCTTGGATCAGA-3'

ClinVar aggregate classification (germline): Pathogenic (1 of 4 stars; one submission).

Submission:

Labcorp Genetics (formerly Invitae), Labcorp
Classification: Pathogenic. Last evaluated: 2022-09-21. Review status: criteria provided, single submitter. Criteria: Invitae Variant Classification Sherloc (09022015). Collection method: clinical testing. Allele origin: germline.
Comment: This sequence change creates a premature translational stop signal (p.Ile1760Serfs*17) in the MYO5B gene. It is expected to result in an absent or disrupted protein product. Loss-of-function variants in MYO5B are known to be pathogenic (PMID: 18724368, 20186687). This variant is not present in population databases (gnomAD no frequency). This variant has not been reported in the literature in individuals affected with MYO5B-related conditions. For these reasons, this variant has been classified as Pathogenic.

Literature cited by the submitters: PubMed 18724368; PubMed 20186687.